The following is an entry in ClinVar:

ClinVar aggregate classification (germline): Conflicting classifications of pathogenicity. Review status: criteria provided, conflicting classifications (1 of 4 stars). 3 submissions from 3 submitters: Uncertain significance (2); Likely benign (1). Last evaluated 2025-11-24.

Conditions:
Inborn genetic diseases. Identifiers: MedGen C0950123, MeSH D030342.

Allele frequency attached by ClinVar (database versions not stated): gnomAD exomes 0.00001; ExAC 0.00002; gnomAD 0.00002; 1000 Genomes Project 30x 0.00016; 1000 Genomes Project 0.00020.
gnomAD v4.1: 12 of 1,613,708 alleles (0.00074%); highest among the groups gnomAD compares: Middle Eastern, 0.033%; no homozygotes.

Submissions (3):

Ambry Genetics
Classification: Uncertain significance for Inborn genetic diseases. Last evaluated: 2025-11-24. Review status: criteria provided, single submitter. Criteria: Ambry Variant Classification Scheme 2023. Collection method: clinical testing. Allele origin: germline.

Labcorp Genetics (formerly Invitae), Labcorp
Classification: Uncertain significance. Last evaluated: 2024-12-24. Review status: criteria provided, single submitter. Criteria: Invitae Variant Classification Sherloc (09022015). Collection method: clinical testing. Allele origin: germline.
Comment: This sequence change replaces asparagine, which is neutral and polar, with lysine, which is basic and polar, at codon 1801 of the VCAN protein (p.Asn1801Lys). This variant is present in population databases (rs199946638, gnomAD 0.007%). This variant has not been reported in the literature in individuals affected with VCAN-related conditions. ClinVar contains an entry for this variant (Variation ID: 1498370). An algorithm developed to predict the effect of missense changes on protein structure and function outputs the following: PolyPhen-2: "Benign". The lysine amino acid residue is found in multiple mammalian species, which suggests that this missense change does not adversely affect protein function. In summary, the available evidence is currently insufficient to determine the role of this variant in disease. Therefore, it has been classified as a Variant of Uncertain Significance.

Blueprint Genetics
Classification: Likely benign. Last evaluated: 2023-11-23. Review status: criteria provided, single submitter. Criteria: ACMG Guidelines, 2015. Collection method: clinical testing. Allele origin: germline.

NM_004385.5(VCAN):c.5403T>A (p.Asn1801Lys)

Genes: VCAN (versican; plus strand), VCAN-AS1 (VCAN antisense RNA 1; minus strand). Cytogenetic location: 5q14.3.
Variant type: single nucleotide variant.
Coding change: c.5403T>A on transcript NM_004385.5 (MANE Select); coding-DNA position 5403, T replaced by A.
Protein change: p.Asn1801Lys; replaces asparagine 1801 with lysine.
Molecular consequence: missense variant. On other transcripts: intron variant (2).
Genome position (GRCh38, 1-based): chr5:83,538,406, T>A. VCF-style: chr5-83538406-T-A. GRCh37 (hg19) VCF-style: chr5-82834225-T-A.
Other names: c.5403T>A (NM_004385.4); c.2442T>A, p.Asn814Lys (NM_001164097.2); c.4004-7131T>A (NM_001164098.2); c.1043-7131T>A (NM_001126336.3); short protein forms N1801K, N814K.
Identifiers: ClinVar variation 1498370 (VCV001498370.10), dbSNP rs199946638, ClinGen allele CA3333321.